The following is an entry in ClinVar:

NM_001429.4(EP300):c.4587A>G (p.Arg1529=)

Gene: EP300 (EP300 lysine acetyltransferase; plus strand). Cytogenetic location: 22q13.2.
Variant type: single nucleotide variant.
Coding change: c.4587A>G on transcript NM_001429.4 (MANE Select); coding-DNA position 4587, A replaced by G.
Protein change: p.Arg1529=; no amino-acid change (arginine 1529 retained).
Molecular consequence: synonymous variant.
Genome position (GRCh38, 1-based): chr22:41,172,633, A>G. VCF-style: chr22-41172633-A-G. GRCh37 (hg19) VCF-style: chr22-41568637-A-G.
Other names: c.4509A>G, p.Arg1503= (NM_001362843.2).
Identifiers: ClinVar variation 4993872 (VCV004993872.1).

ClinVar aggregate classification (germline): Likely benign (1 of 4 stars; one submission).

Conditions:
EP300-related disorder. Also called: EP300-related condition; EP300-related disorders.

gnomAD v4.1: 1 of 1,613,790 alleles (0.000062%); highest among the groups gnomAD compares: Non-Finnish European, 0.000085%; no homozygotes.

Submission:

PreventionGenetics, part of Exact Sciences
Classification: Likely benign for EP300-related condition. Last evaluated: 2026-07-24. Review status: criteria provided, single submitter. Criteria: ACMG Guidelines, 2015. Collection method: clinical testing. Allele origin: germline.
Comment: This variant is classified as likely benign based on ACMG/AMP sequence variant interpretation guidelines (Richards et al. 2015 PMID: 25741868, with internal and published modifications).